The following is an entry in ClinVar:

ClinVar aggregate classification (germline): Likely pathogenic. Review status: criteria provided, multiple submitters, no conflicts (2 of 4 stars). 2 submissions from 2 submitters: Likely pathogenic (2). Last evaluated 2025-11-07.

Conditions:
Steroid-resistant nephrotic syndrome. Identifiers: MedGen C0403397, MONDO:0044765, HP:0012588.
Nephrotic syndrome, type 2 (NPHS2). Also called: NEPHROTIC SYNDROME, STEROID-RESISTANT, AUTOSOMAL RECESSIVE. Identifiers: Orphanet 656, MedGen C1868672, MONDO:0010974, OMIM 600995.

gnomAD v4.1: 10 of 1,613,992 alleles (0.00062%); highest among the groups gnomAD compares: Non-Finnish European, 0.00076%; no homozygotes.

Submissions (2):

Natera, Inc.
Classification: Likely pathogenic for Steroid-resistant nephrotic syndrome. Last evaluated: 2025-11-07. Review status: criteria provided, single submitter. Criteria: Natera Variant Classification Schema (03/2026). Collection method: clinical testing. Allele origin: germline.
Comment: The c.964C>G variant in NPHS2 is a missense variant predicted to cause substitution of arginine to glycine at amino acid 322. This variant is rare in the general population with a frequency below the threshold expected for the associated phenotype(s). This variant has been observed in one or more individuals affected with the associated recessive disease, as either homozygous or compound heterozygous with a second variant (PMID: 19145239). This variant has been identified in one or more affected individual with a phenotype highly consistent with the associated gene (PMID: 19145239). Computational prediction algorithms indicate this variant is likely to affect gene or protein function. Given the available evidence, this variant is classified as Likely Pathogenic.

Fulgent Genetics
Classification: Likely pathogenic for Nephrotic syndrome, type 2. Last evaluated: 2024-04-17. Review status: criteria provided, single submitter. Criteria: ACMG Guidelines, 2015. Collection method: clinical testing. Allele origin: germline.

Literature cited by the submitters: PubMed 19145239 (cited by Natera, Inc.).

NM_014625.4(NPHS2):c.964C>G (p.Arg322Gly)

Genes: AXDND1 (axonemal dynein light chain domain containing 1; plus strand), NPHS2 (NPHS2 stomatin family member, podocin; minus strand). Cytogenetic location: 1q25.2.
Variant type: single nucleotide variant.
Coding change: c.964C>G on transcript NM_014625.4 (MANE Select); coding-DNA position 964, C replaced by G.
Protein change: p.Arg322Gly; replaces arginine 322 with glycine.
Molecular consequence: missense variant. On other transcripts: intron variant (1).
Genome position (GRCh38, 1-based): chr1:179,551,361, G>C on the plus strand (C>G on the coding strand, the complement: NPHS2 is on the minus strand). VCF-style: chr1-179551361-G-C. GRCh37 (hg19) VCF-style: chr1-179520496-G-C.
Other names: c.760C>G, p.Arg254Gly (NM_001297575.2); c.3032-3151G>C (NM_144696.6); short protein forms R322G, R254G.
Identifiers: ClinVar variation 3574218 (VCV003574218.2).